The following is an entry in ClinVar:

ClinVar aggregate classification (germline): Conflicting classifications of pathogenicity. Review status: criteria provided, conflicting classifications (1 of 4 stars). 4 submissions from 4 submitters: Pathogenic (1); Uncertain significance (3). Last evaluated 2024-02-27.

Conditions:
Congenital multicore myopathy with external ophthalmoplegia (CMYO1B). Also called: MULTIMINICORE DISEASE WITH EXTERNAL OPHTHALMOPLEGIA; Congenital myopathy 1B, autosomal recessive; Minicore myopathy; Minicore myopathy with external ophthalmoplegia; MULTICORE MYOPATHY. Identifiers: Orphanet 598, Orphanet 98905, MedGen C1850674, MONDO:0009712, OMIM 255320, HP:0003789.
Congenital myopathy with fiber type disproportion. Also called: Congenital fiber-type disproportion myopathy; Congenital fiber-type disproportion. Identifiers: Orphanet 2020, MedGen C0546264, MONDO:0009711. Inheritance: all.
Malignant hyperthermia, susceptibility to, 1 (MHS1). Also called: Anesthesia related hyperthermia; Malignant hyperpyrexia; Fulminating hyperpyrexia; Pharmacogenic myopathy; RYR1-Related Malignant Hyperthermia Susceptibility; Malignant hyperthermia suceptibility 1. Identifiers: Orphanet 423, MedGen C2930980, MONDO:0007783, OMIM 145600.
Central core myopathy (CMYO1A). Also called: CONGENITAL MYOPATHY 1A, AUTOSOMAL DOMINANT, WITH SUSCEPTIBILITY TO MALIGNANT HYPERTHERMIA; Central core disease; Myopathy, central fibrillar. Identifiers: Orphanet 597, MedGen C5830701, MONDO:0007294, OMIM 117000.
King Denborough syndrome (KDS). Identifiers: MedGen C1840365, MONDO:0020485, OMIM 619542.
RYR1-related disorder. Also called: RYR1-related disorders; RYR1-related condition. Identifiers: MedGen CN239331.

Allele frequency attached by ClinVar (database versions not stated): gnomAD exomes below 0.00001; TOPMed below 0.00001; gnomAD 0.00001.
gnomAD v4.1: 2 of 1,613,554 alleles (0.00012%); highest among the groups gnomAD compares: Non-Finnish European, 0.00017%; no homozygotes.

Submissions (4):

Revvity Omics, Revvity
Classification: Uncertain significance. Last evaluated: 2024-02-27. Review status: criteria provided, single submitter. Criteria: ACMG Guidelines, 2015. Collection method: clinical testing. Allele origin: germline.

Labcorp Genetics (formerly Invitae), Labcorp
Classification: Pathogenic for RYR1-related disorder. Last evaluated: 2024-02-12. Review status: criteria provided, single submitter. Criteria: Invitae Variant Classification Sherloc (09022015). Collection method: clinical testing. Allele origin: germline.
Comment: This sequence change replaces arginine, which is basic and polar, with glycine, which is neutral and non-polar, at codon 1772 of the RYR1 protein (p.Arg1772Gly). This variant is not present in population databases (gnomAD no frequency). This missense change has been observed in individual(s) with autosomal recessive neonatal-onset myopathy (PMID: 23553484). In at least one individual the data is consistent with being in trans (on the opposite chromosome) from a pathogenic variant. ClinVar contains an entry for this variant (Variation ID: 590557). Advanced modeling of protein sequence and biophysical properties (such as structural, functional, and spatial information, amino acid conservation, physicochemical variation, residue mobility, and thermodynamic stability) has been performed at Invitae for this missense variant, however the output from this modeling did not meet the statistical confidence thresholds required to predict the impact of this variant on RYR1 protein function. This variant disrupts the p.Arg1772 amino acid residue in RYR1. Other variant(s) that disrupt this residue have been observed in individuals with RYR1-related conditions (Invitae), which suggests that this may be a clinically significant amino acid residue. For these reasons, this variant has been classified as Pathogenic.

Fulgent Genetics
Classification: Uncertain significance for Central core myopathy; Malignant hyperthermia, susceptibility to, 1; Congenital myopathy 4A, autosomal dominant; Congenital multicore myopathy with external ophthalmoplegia; King Denborough syndrome. Last evaluated: 2021-10-06. Review status: criteria provided, single submitter. Criteria: ACMG Guidelines, 2015. Collection method: clinical testing. Allele origin: unknown.

PreventionGenetics, part of Exact Sciences
Classification: Uncertain significance. Last evaluated: 2013-11-20. Review status: criteria provided, single submitter. Criteria: ACMG Guidelines, 2015. Collection method: clinical testing. Allele origin: germline.

Literature cited by the submitters: PubMed 23553484 (cited by Labcorp Genetics (formerly Invitae), Labcorp).

NM_000540.3(RYR1):c.5314A>G (p.Arg1772Gly)

Gene: RYR1 (ryanodine receptor 1; plus strand). Cytogenetic location: 19q13.2.
Variant type: single nucleotide variant.
Coding change: c.5314A>G on transcript NM_000540.3 (MANE Select); coding-DNA position 5314, A replaced by G.
Protein change: p.Arg1772Gly; replaces arginine 1772 with glycine.
Molecular consequence: missense variant.
Genome position (GRCh38, 1-based): chr19:38,485,969, A>G. VCF-style: chr19-38485969-A-G. GRCh37 (hg19) VCF-style: chr19-38976609-A-G.
Other names: c.5314A>G, p.Arg1772Gly (NM_001042723.2); short protein forms R1772G.
Identifiers: ClinVar variation 590557 (VCV000590557.15), dbSNP rs1568484835, ClinGen allele CA405654623.